The following is an entry in ClinVar:

NM_000277.3(PAH):c.552_554del (p.Lys185del)

Gene: PAH (phenylalanine hydroxylase; minus strand). Cytogenetic location: 12q23.2.
Variant type: Deletion.
Coding change: c.552_554del on transcript NM_000277.3 (MANE Select); coding-DNA positions 552 to 554, 3 bases deleted (GAA; older notation c.552_554delGAA).
Protein change: p.Lys185del; deletes lysine 185.
Molecular consequence: inframe deletion.
Genome position (GRCh38, 1-based): chr12:102,855,288-102,855,290, TTC deleted on the plus strand (GAA on the coding strand, the reverse complement: PAH is on the minus strand); deleting any 3 consecutive bases within chr12:102,855,288-102,855,292 gives the same sequence; the c. name uses the placement nearest the transcript's 3' end. VCF-style (leftmost placement, unchanged base first): chr12-102855287-TTTC-T. GRCh37 (hg19) VCF-style: chr12-103249065-TTTC-T.
Other names: c.552_554del, p.Lys185del (NM_001354304.2); short protein forms K185del.
Identifiers: ClinVar variation 2751645 (VCV002751645.3), dbSNP rs2499626322, ClinGen allele CA2697551521.

ClinVar aggregate classification (germline): Uncertain significance (1 of 4 stars; one submission).

Conditions:
Phenylketonuria (PKU). Also called: Phenylketonurias; FOLLING DISEASE; OLIGOPHRENIA PHENYLPYRUVICA; Phenylketonuria (PKU). Identifiers: Orphanet 716, MedGen C0031485, MONDO:0009861, OMIM 261600. Disease mechanism: loss of function.

Submission:

Labcorp Genetics (formerly Invitae), Labcorp
Classification: Uncertain significance for Phenylketonuria. Last evaluated: 2023-08-10. Review status: criteria provided, single submitter. Criteria: Invitae Variant Classification Sherloc (09022015). Collection method: clinical testing. Allele origin: germline.
Comment: This variant, c.552_554del, results in the deletion of 1 amino acid(s) of the PAH protein (p.Lys185del), but otherwise preserves the integrity of the reading frame. This variant is not present in population databases (gnomAD no frequency). This variant has not been reported in the literature in individuals affected with PAH-related conditions. Experimental studies and prediction algorithms are not available or were not evaluated, and the functional significance of this variant is currently unknown. In summary, the available evidence is currently insufficient to determine the role of this variant in disease. Therefore, it has been classified as a Variant of Uncertain Significance.